The following is an entry in ClinVar:

ClinVar aggregate classification (germline): Likely benign. Review status: criteria provided, multiple submitters, no conflicts (2 of 4 stars). 3 submissions from 3 submitters: Likely benign (2). 1 of the submissions does not count toward it. Last evaluated 2017-07-10.

Conditions:
CYP1A1-related disorder. Also called: CYP1A1-related condition.

Allele frequency attached by ClinVar (database versions not stated): gnomAD exomes 0.00004 and 0.00012; ExAC 0.00015; TOPMed 0.00052; 1000 Genomes Project 0.00100; ESP Exome Variant Server 0.00054; gnomAD 0.00050; 1000 Genomes Project 30x 0.00078.
gnomAD v4.1: 151 of 1,614,168 alleles (0.0094%); highest among the groups gnomAD compares: African/African-American, 0.14%; no homozygotes.

Submissions (3):

Labcorp Genetics (formerly Invitae), Labcorp
Classification: Likely benign. Last evaluated: 2017-07-10. Review status: criteria provided, single submitter. Criteria: Invitae Variant Classification Sherloc (09022015). Collection method: clinical testing. Allele origin: germline.

Breakthrough Genomics
Classification: Likely benign. Review status: criteria provided, single submitter. Criteria: ACMG Guidelines, 2015. Collection method: not provided. Allele origin: germline. Inheritance: Unknown mechanism. Affected: yes.

PreventionGenetics, part of Exact Sciences
Classification: Likely benign for CYP1A1-related condition. Last evaluated: 2019-10-28. Review status: no assertion criteria provided. Collection method: clinical testing. Allele origin: germline. Not counted in ClinVar's aggregate classification.
Comment: This variant is classified as likely benign based on ACMG/AMP sequence variant interpretation guidelines (Richards et al. 2015 PMID: 25741868, with internal and published modifications).

NM_001319217.2(CYP1A1):c.1374C>T (p.Ile458=)

Gene: CYP1A1 (cytochrome P450 family 1 subfamily A member 1; minus strand). Cytogenetic location: 15q24.1.
Variant type: single nucleotide variant.
Coding change: c.1374C>T on transcript NM_001319217.2 (MANE Select); coding-DNA position 1374, C replaced by T.
Protein change: p.Ile458=; no amino-acid change (isoleucine 458 retained).
Molecular consequence: synonymous variant.
Genome position (GRCh38, 1-based): chr15:74,720,654, G>A on the plus strand (C>T on the coding strand, the complement: CYP1A1 is on the minus strand). VCF-style: chr15-74720654-G-A. GRCh37 (hg19) VCF-style: chr15-75012995-G-A.
Other names: c.1374C>T, p.Ile458= (NM_000499.5); c.1287C>T, p.Ile429= (NM_001319216.2); c.1374C>T (NM_001319217.1).
Identifiers: ClinVar variation 784327 (VCV000784327.6), dbSNP rs147033233, ClinGen allele CA7659245.